The following is an entry in ClinVar:

NM_001330239.4(TJP1):c.3877-8_3877-7del

Genes: TJP1 (tight junction protein 1; minus strand), LOC126862085 (P300/CBP strongly-dependent group 1 enhancer GRCh37_chr15:30010173-30011372; plus strand). Cytogenetic location: 15q13.1.
Variant type: Deletion.
Coding change: c.3877-8_3877-7del on transcript NM_001330239.4 (MANE Select); 8 bases into the intron before coding-DNA position 3877 through 7 bases into the intron before coding-DNA position 3877, 2 bases deleted (TT; older notation c.3877-8_3877-7delTT).
Molecular consequence: intron variant.
Genome position (GRCh38, 1-based): chr15:29,718,125-29,718,126, AA deleted on the plus strand (TT on the coding strand, the reverse complement: TJP1 is on the minus strand); deleting any 2 consecutive bases within chr15:29,718,125-29,718,144 gives the same sequence; the c. name uses the placement nearest the transcript's 3' end. VCF-style (leftmost placement, unchanged base first): chr15-29718124-TAA-T. GRCh37 (hg19) VCF-style: chr15-30010328-TAA-T.
Other names: c.4156-8_4156-7del (NM_001355012.2, NM_001301025.3); c.3637-8_3637-7del (NM_175610.4, NM_001355015.2); c.3877-8_3877-7del (NM_003257.5, NM_001355014.2); c.3649-8_3649-7del (NM_001301026.2); c.3889-8_3889-7del (NM_001355013.1).
Identifiers: ClinVar variation 3060777 (VCV003060777.2), dbSNP rs563006679, ClinGen allele CA7446664.

ClinVar aggregate classification (germline): Benign (0 of 4 stars; one submission).

Conditions:
TJP1-related disorder. Also called: TJP1-related condition.

Submission:

PreventionGenetics, part of Exact Sciences
Classification: Benign for TJP1-related condition. Last evaluated: 2019-10-31. Review status: no assertion criteria provided. Collection method: clinical testing. Allele origin: germline.
Comment: This variant is classified as benign based on ACMG/AMP sequence variant interpretation guidelines (Richards et al. 2015 PMID: 25741868, with internal and published modifications).